The following is an entry in ClinVar:

ClinVar aggregate classification (germline): Uncertain significance (1 of 4 stars; one submission).

Submission:

GeneDx
Classification: Uncertain significance. Last evaluated: 2024-05-16. Review status: criteria provided, single submitter. Criteria: GeneDx Variant Classification Process June 2021. Collection method: clinical testing. Allele origin: germline. Affected: yes.
Comment: Not observed at significant frequency in large population cohorts (gnomAD); In silico analysis indicates that this missense variant does not alter protein structure/function; Has not been previously published as pathogenic or benign to our knowledge

NM_005585.5(SMAD6):c.718G>C (p.Glu240Gln)

Gene: SMAD6 (SMAD family member 6; plus strand). Cytogenetic location: 15q22.31.
Variant type: single nucleotide variant.
Coding change: c.718G>C on transcript NM_005585.5 (MANE Select); coding-DNA position 718, G replaced by C.
Protein change: p.Glu240Gln; replaces glutamic acid 240 with glutamine.
Molecular consequence: missense variant. On other transcripts: non-coding transcript variant (1).
Genome position (GRCh38, 1-based): chr15:66,703,976, G>C. VCF-style: chr15-66703976-G-C. GRCh37 (hg19) VCF-style: chr15-66996314-G-C.
Other names: short protein forms E240Q.
Identifiers: ClinVar variation 3377959 (VCV003377959.1).